The following is an entry in ClinVar:

ClinVar aggregate classification (germline): Likely benign. Review status: criteria provided, multiple submitters, no conflicts (2 of 4 stars). 2 submissions from 2 submitters: Likely benign (2). Last evaluated 2025-08-12.

Conditions:
Inborn genetic diseases. Identifiers: MedGen C0950123, MeSH D030342.

Allele frequency attached by ClinVar (database versions not stated): gnomAD exomes 0.00030; ExAC 0.00095; gnomAD 0.00236; 1000 Genomes Project 0.00280; TOPMed 0.00280; ESP Exome Variant Server 0.00308.
gnomAD v4.1: 826 of 1,613,710 alleles (0.051%); highest among the groups gnomAD compares: African/African-American, 0.79%; 6 homozygotes.

Submissions (2):

Ambry Genetics
Classification: Likely benign for Inborn genetic diseases. Last evaluated: 2025-08-12. Review status: criteria provided, single submitter. Criteria: Ambry Variant Classification Scheme 2023. Collection method: clinical testing. Allele origin: germline.

CeGaT Center for Human Genetics Tuebingen
Classification: Likely benign. Last evaluated: 2023-05-01. Review status: criteria provided, single submitter. Criteria: CeGaT Center For Human Genetics Tuebingen Variant Classification Criteria Version 2. Collection method: clinical testing. Allele origin: germline. Affected: yes. Observed: 3 variant alleles.
Comment: NUP188: BP4, BS2

NM_015354.3(NUP188):c.4574C>T (p.Ala1525Val)

Gene: NUP188 (nucleoporin 188; plus strand). Cytogenetic location: 9q34.11.
Variant type: single nucleotide variant.
Coding change: c.4574C>T on transcript NM_015354.3 (MANE Select); coding-DNA position 4574, C replaced by T.
Protein change: p.Ala1525Val; replaces alanine 1525 with valine.
Molecular consequence: missense variant.
Genome position (GRCh38, 1-based): chr9:129,005,367, C>T. VCF-style: chr9-129005367-C-T. GRCh37 (hg19) VCF-style: chr9-131767646-C-T.
Other names: c.4574C>T (NM_015354.1); short protein forms A1525V.
Identifiers: ClinVar variation 2659566 (VCV002659566.25), dbSNP rs113816936, ClinGen allele CA5273397.